The following is an entry in ClinVar:

NM_170606.3(KMT2C):c.7235C>T (p.Pro2412Leu)

Gene: KMT2C (lysine methyltransferase 2C; minus strand). Cytogenetic location: 7q36.1.
Variant type: single nucleotide variant.
Coding change: c.7235C>T on transcript NM_170606.3 (MANE Select); coding-DNA position 7235, C replaced by T.
Protein change: p.Pro2412Leu; replaces proline 2412 with leucine.
Molecular consequence: missense variant.
Genome position (GRCh38, 1-based): chr7:152,180,041, G>A on the plus strand (C>T on the coding strand, the complement: KMT2C is on the minus strand). VCF-style: chr7-152180041-G-A. GRCh37 (hg19) VCF-style: chr7-151877126-G-A.
Other names: short protein forms P2412L.
Identifiers: ClinVar variation 4740166 (VCV004740166.1).

ClinVar aggregate classification (germline): Uncertain significance (1 of 4 stars; one submission).

Submission:

Labcorp Genetics (formerly Invitae), Labcorp
Classification: Uncertain significance. Last evaluated: 2025-07-20. Review status: criteria provided, single submitter. Criteria: Invitae Variant Classification Sherloc (09022015). Collection method: clinical testing. Allele origin: germline.
Comment: This sequence change replaces proline, which is neutral and non-polar, with leucine, which is neutral and non-polar, at codon 2412 of the KMT2C protein (p.Pro2412Leu). This variant is not present in population databases (gnomAD no frequency). This variant has not been reported in the literature in individuals affected with KMT2C-related conditions. Invitae Evidence Modeling of protein sequence and biophysical properties (such as structural, functional, and spatial information, amino acid conservation, physicochemical variation, residue mobility, and thermodynamic stability) indicates that this missense variant is not expected to disrupt KMT2C protein function with a negative predictive value of 80%. In summary, the available evidence is currently insufficient to determine the role of this variant in disease. Therefore, it has been classified as a Variant of Uncertain Significance.